The following is an entry in ClinVar:

NM_001166108.2(PALLD):c.2341G>A (p.Val781Ile)

Genes: CBR4 (carbonyl reductase 4; minus strand), PALLD (palladin, cytoskeletal associated protein; plus strand). Cytogenetic location: 4q32.3.
Variant type: single nucleotide variant.
Coding change: c.2341G>A on transcript NM_001166108.2 (MANE Select); coding-DNA position 2341, G replaced by A.
Protein change: p.Val781Ile; replaces valine 781 with isoleucine.
Molecular consequence: missense variant.
Genome position (GRCh38, 1-based): chr4:168,898,583, G>A. VCF-style: chr4-168898583-G-A. GRCh37 (hg19) VCF-style: chr4-169819734-G-A.
Other names: c.1144G>A, p.Val382Ile (NM_001166109.2); c.829G>A, p.Val277Ile (NM_001166110.2); c.169G>A, p.Val57Ile (NM_001367567.1, NM_001367569.1); c.220G>A, p.Val74Ile (NM_001367568.1, NM_001367570.1); c.2290G>A, p.Val764Ile (NM_016081.4); short protein forms V277I, V382I, V57I, V74I, V764I, V781I.
Identifiers: ClinVar variation 4797634 (VCV004797634.1).

ClinVar aggregate classification (germline): Uncertain significance (1 of 4 stars; one submission).

Conditions:
Pancreatic adenocarcinoma. Identifiers: MedGen C0281361, MONDO:0006047, HP:0006725.

Submission:

Labcorp Genetics (formerly Invitae), Labcorp
Classification: Uncertain significance for Pancreatic adenocarcinoma. Last evaluated: 2026-01-28. Review status: criteria provided, single submitter. Criteria: Invitae Variant Classification Sherloc (09022015). Collection method: clinical testing. Allele origin: germline.
Comment: This sequence change replaces valine, which is neutral and non-polar, with isoleucine, which is neutral and non-polar, at codon 277 of the PALLD protein (p.Val277Ile). This variant is not present in population databases (gnomAD no frequency). This variant has not been reported in the literature in individuals affected with PALLD-related conditions. An algorithm developed to predict the effect of missense changes on protein structure and function outputs the following: PolyPhen-2: "Benign". The isoleucine amino acid residue is found in multiple mammalian species, which suggests that this missense change does not adversely affect protein function. In summary, the available evidence is currently insufficient to determine the role of this variant in disease. Therefore, it has been classified as a Variant of Uncertain Significance.